The following is an entry in ClinVar:

NM_018238.4(AGK):c.1269A>G (p.Ter423Trp)

Gene: AGK (acylglycerol kinase; plus strand). Cytogenetic location: 7q34.
Variant type: single nucleotide variant.
Coding change: c.1269A>G on transcript NM_018238.4 (MANE Select); coding-DNA position 1269, A replaced by G.
Protein change: p.Ter423Trp.
Molecular consequence: stop lost.
Genome position (GRCh38, 1-based): chr7:141,652,924, A>G. VCF-style: chr7-141652924-A-G. GRCh37 (hg19) VCF-style: chr7-141352724-A-G.
Identifiers: ClinVar variation 2200994 (VCV002200994.1), dbSNP rs751958786, ClinGen allele CA4517729.

ClinVar aggregate classification (germline): Uncertain significance (1 of 4 stars; one submission).

Conditions:
Cataract 38. Also called: Cataract, autosomal recessive congenital 5; Cataract 38, autosomal recessive. Identifiers: Orphanet 91492, MedGen C3553494, MONDO:0013859, OMIM 614691.
Sengers syndrome. Also called: MITOCHONDRIAL DNA DEPLETION SYNDROME 10 (CARDIOMYOPATHIC TYPE); Cardiomyopathy and cataract. Identifiers: Orphanet 1369, MedGen C1859317, MONDO:0008922, OMIM 212350.

Allele frequency attached by ClinVar (database versions not stated): gnomAD exomes below 0.00001; gnomAD 0.00001; TOPMed 0.00001; ExAC 0.00002.
gnomAD v4.1: 7 of 1,613,910 alleles (0.00043%); highest among the groups gnomAD compares: Middle Eastern, 0.033%; no homozygotes.

Submission:

Labcorp Genetics (formerly Invitae), Labcorp
Classification: Uncertain significance for Sengers syndrome; Cataract 38. Last evaluated: 2022-06-04. Review status: criteria provided, single submitter. Criteria: Invitae Variant Classification Sherloc (09022015). Collection method: clinical testing. Allele origin: germline.
Comment: This sequence change disrupts the translational stop signal of the AGK mRNA. It is expected to extend the length of the AGK protein by 12 additional amino acid residues. This variant is present in population databases (rs751958786, gnomAD 0.004%). This variant has not been reported in the literature in individuals affected with AGK-related conditions. Experimental studies and prediction algorithms are not available or were not evaluated, and the functional significance of this variant is currently unknown. In summary, the available evidence is currently insufficient to determine the role of this variant in disease. Therefore, it has been classified as a Variant of Uncertain Significance.